The following is an entry in ClinVar:

NM_017649.5(CNNM2):c.569A>C (p.Tyr190Ser)

Gene: CNNM2 (cyclin and CBS domain divalent metal cation transport mediator 2; plus strand). Cytogenetic location: 10q24.32.
Variant type: single nucleotide variant.
Coding change: c.569A>C on transcript NM_017649.5 (MANE Select); coding-DNA position 569, A replaced by C.
Protein change: p.Tyr190Ser; replaces tyrosine 190 with serine.
Molecular consequence: missense variant.
Genome position (GRCh38, 1-based): chr10:102,919,049, A>C. VCF-style: chr10-102919049-A-C. GRCh37 (hg19) VCF-style: chr10-104678806-A-C.
Other names: c.569A>C, p.Tyr190Ser (NM_199076.3, NM_199077.3); short protein forms Y190S.
Identifiers: ClinVar variation 2584933 (VCV002584933.1), dbSNP rs2493374424, ClinGen allele CA377956457.

ClinVar aggregate classification (germline): Uncertain significance (1 of 4 stars; one submission).

Conditions:
Hypomagnesemia, seizures, and impaired intellectual development 1. Also called: Hypomagnesemia, seizures, and intellectual disability 1. Identifiers: Orphanet 34527, MedGen C4225333, MONDO:0020787, OMIM 616418.

Submission:

Neuberg Centre For Genomic Medicine, NCGM
Classification: Uncertain significance for Hypomagnesemia, seizures, and impaired intellectual development 1. Review status: criteria provided, single submitter. Criteria: ACMG Guidelines, 2015. Collection method: clinical testing. Allele origin: germline. Inheritance: Autosomal dominant inheritance. Affected: yes.
Comment: The missense variant in c.569A>C in CNNM2 gene has not been reported previously as a pathogenic variant nor as a benign variant, to our knowledge. The p.Tyr190Ser variant is novel (not in any individuals) in gnomAD Exomes and 1000 Genomes. The amino acid change p.Tyr190Ser in CNNM2 is predicted as conserved by GERP++ and PhyloP across 100 vertebrates. The amino acid Tyr at position 190 is changed to a Ser changing protein sequence and it might alter its composition and physico-chemical properties. For these reasons, this variant has been classified as Uncertain Significance (VUS).